The following is an entry in ClinVar:

NM_001112741.2(KCNC1):c.1184T>C (p.Val395Ala)

Gene: KCNC1 (potassium voltage-gated channel subfamily C member 1; plus strand). Cytogenetic location: 11p15.1.
Variant type: single nucleotide variant.
Coding change: c.1184T>C on transcript NM_001112741.2 (MANE Select); coding-DNA position 1184, T replaced by C.
Protein change: p.Val395Ala; replaces valine 395 with alanine.
Molecular consequence: missense variant.
Genome position (GRCh38, 1-based): chr11:17,772,278, T>C. VCF-style: chr11-17772278-T-C. GRCh37 (hg19) VCF-style: chr11-17793825-T-C.
Other names: c.1184T>C, p.Val395Ala (NM_004976.4); short protein forms V395A.
Identifiers: ClinVar variation 4755834 (VCV004755834.1).
Genomic context (GRCh38, chr11:17,772,278, plus strand): 5'-ACCCCAGCGCCAGTGAGCACACGCACTTTAAGAACATCCCCATCGGCTTCTGGTGGGCCG[T>C]GGTCACCATGACGACCCTGGGCTATGGAGACATGTACCCGCAGACGTGGTCCGGCATGCT-3'
Protein context (NP_001106212.1, residues 385-405): KNIPIGFWWA[Val395Ala]VTMTTLGYGD

ClinVar aggregate classification (germline): Uncertain significance (1 of 4 stars; one submission).

Submission:

GeneDx
Classification: Uncertain significance. Last evaluated: 2025-08-05. Review status: criteria provided, single submitter. Criteria: GeneDx Variant Classification Process June 2021. Collection method: clinical testing. Allele origin: germline. Affected: yes.
Comment: Not observed at significant frequency in large population cohorts (gnomAD); In silico analysis supports that this missense variant has a deleterious effect on protein structure/function; Has not been previously published as pathogenic or benign to our knowledge